The following is an entry in ClinVar:

NM_002691.4(POLD1):c.325C>T (p.Gln109Ter)

Gene: POLD1 (DNA polymerase delta 1, catalytic subunit; plus strand). Cytogenetic location: 19q13.33.
Variant type: single nucleotide variant.
Coding change: c.325C>T on transcript NM_002691.4 (MANE Select); coding-DNA position 325, C replaced by T.
Protein change: p.Gln109Ter; replaces glutamine 109 with a stop codon.
Molecular consequence: nonsense. On other transcripts: non-coding transcript variant (1).
Genome position (GRCh38, 1-based): chr19:50,401,786, C>T. VCF-style: chr19-50401786-C-T. GRCh37 (hg19) VCF-style: chr19-50905043-C-T.
Other names: c.325C>T, p.Gln109Ter (NM_001256849.1, NM_001308632.1); short protein forms Q109*.
Identifiers: ClinVar variation 3781404 (VCV003781404.1).

ClinVar aggregate classification (germline): Uncertain significance (1 of 4 stars; one submission).

Conditions:
Hereditary cancer-predisposing syndrome. Also called: Neoplastic Syndromes, Hereditary; Hereditary Cancer Syndrome; Tumor predisposition; Hereditary neoplastic syndrome. Identifiers: Orphanet 140162, MedGen C0027672, MeSH D009386, MONDO:0015356.

Submission:

Ambry Genetics
Classification: Uncertain significance for Hereditary cancer-predisposing syndrome. Last evaluated: 2025-03-07. Review status: criteria provided, single submitter. Criteria: Ambry Variant Classification Scheme 2023. Collection method: clinical testing. Allele origin: germline.
Comment: The p.Q109* variant (also known as c.325C>T), located in coding exon 3 of the POLD1 gene, results from a C to T substitution at nucleotide position 325. This changes the amino acid from a glutamine to a stop codon within coding exon 3. This alteration is expected to result in protein truncation or nonsense-mediated mRNA decay. However, loss of function of POLD1 has not been established as a mechanism of disease. Based on the available evidence, the clinical significance of this alteration remains unclear.